The following is an entry in ClinVar:

ClinVar aggregate classification (germline): Uncertain significance (1 of 4 stars; one submission).

Conditions:
Cardiovascular phenotype. Identifiers: MedGen CN230736.

gnomAD v4.1: 1 of 1,576,302 alleles (0.000063%); highest among the groups gnomAD compares: Non-Finnish European, 0.000086%; no homozygotes.

Submission:

Ambry Genetics
Classification: Uncertain significance for Cardiovascular phenotype. Last evaluated: 2025-04-14. Review status: criteria provided, single submitter. Criteria: Ambry Variant Classification Scheme 2023. Collection method: clinical testing. Allele origin: germline.
Comment: The p.Q690H variant (also known as c.2070G>C), located in coding exon 41 of the TRDN gene, results from a G to C substitution at nucleotide position 2070. The glutamine at codon 690 is replaced by histidine, an amino acid with highly similar properties. This amino acid position is conserved. In addition, this alteration is predicted to be tolerated by in silico analysis. Based on the available evidence, the clinical significance of this variant remains unclear.

NM_006073.4(TRDN):c.2070G>C (p.Gln690His)

Gene: TRDN (triadin; minus strand). Cytogenetic location: 6q22.31.
Variant type: single nucleotide variant.
Coding change: c.2070G>C on transcript NM_006073.4 (MANE Select); coding-DNA position 2070, G replaced by C.
Protein change: p.Gln690His; replaces glutamine 690 with histidine.
Molecular consequence: missense variant.
Genome position (GRCh38, 1-based): chr6:123,218,721, C>G on the plus strand (G>C on the coding strand, the complement: TRDN is on the minus strand). VCF-style: chr6-123218721-C-G. GRCh37 (hg19) VCF-style: chr6-123539866-C-G.
Other names: short protein forms Q690H.
Identifiers: ClinVar variation 3973116 (VCV003973116.1).